The following is an entry in ClinVar:

NM_000059.4(BRCA2):c.3622T>A (p.Leu1208Ile)

Gene: BRCA2 (BRCA2 DNA repair associated; plus strand). Cytogenetic location: 13q13.1.
Variant type: single nucleotide variant.
Coding change: c.3622T>A on transcript NM_000059.4 (MANE Select); coding-DNA position 3622, T replaced by A.
Protein change: p.Leu1208Ile; replaces leucine 1208 with isoleucine.
Molecular consequence: missense variant.
Genome position (GRCh38, 1-based): chr13:32,337,977, T>A. VCF-style: chr13-32337977-T-A. GRCh37 (hg19) VCF-style: chr13-32912114-T-A.
Other names: short protein forms L1208I.
Identifiers: ClinVar variation 51494 (VCV000051494.10), dbSNP rs80358608, ClinGen allele CA018418.
Genomic context (GRCh38, chr13:32,337,977, plus strand): 5'-ATTAAACGGAAGTTTGCTGGCCTGTTGAAAAATGACTGTAACAAAAGTGCTTCTGGTTAT[T>A]TAACAGATGAAAATGAAGTGGGGTTTAGGGGCTTTTATTCTGCTCATGGCACAAAACTGA-3'
Protein context (NP_000050.3, residues 1198-1218): NDCNKSASGY[Leu1208Ile]TDENEVGFRG

ClinVar aggregate classification (germline): Conflicting classifications of pathogenicity. Review status: criteria provided, conflicting classifications (1 of 4 stars). 4 submissions from 4 submitters: Uncertain significance (2); Likely benign (1). 1 of the submissions does not count toward it. Last evaluated 2023-11-11.

Conditions:
Hereditary breast ovarian cancer syndrome. Also called: Hereditary breast and ovarian cancer syndrome; Hereditary breast and ovarian cancer; Hereditary breast and ovarian cancer syndrome (HBOC); Breast and ovarian cancer; Hereditary breast and/or ovarian cancer syndrome; BRCA1- and BRCA2-Associated Hereditary Breast and Ovarian Cancer. Identifiers: Orphanet 145, MedGen C0677776, MeSH D061325, MONDO:0003582. Disease mechanism: loss of function.
Hereditary cancer-predisposing syndrome. Also called: Neoplastic Syndromes, Hereditary; Tumor predisposition; Hereditary Cancer Syndrome; Hereditary neoplastic syndrome. Identifiers: Orphanet 140162, MedGen C0027672, MeSH D009386, MONDO:0015356.
Breast-ovarian cancer, familial, susceptibility to, 2 (BROVCA2). Also called: BRCA2 Hereditary Breast and Ovarian Cancer. Identifiers: Orphanet 145, MedGen C2675520, MONDO:0012933, OMIM 612555. Disease mechanism: loss of function.

Submissions (4):

Ambry Genetics
Classification: Uncertain significance for Hereditary cancer-predisposing syndrome. Last evaluated: 2023-11-11. Review status: criteria provided, single submitter. Criteria: Ambry Variant Classification Scheme 2023. Collection method: clinical testing. Allele origin: germline.
Comment: The p.L1208I variant (also known as c.3622T>A), located in coding exon 10 of the BRCA2 gene, results from a T to A substitution at nucleotide position 3622. The leucine at codon 1208 is replaced by isoleucine, an amino acid with highly similar properties. This amino acid position is poorly conserved in available vertebrate species. In addition, this alteration is predicted to be tolerated by in silico analysis. Since supporting evidence is limited at this time, the clinical significance of this alteration remains unclear.

Labcorp Genetics (formerly Invitae), Labcorp
Classification: Uncertain significance for Hereditary breast ovarian cancer syndrome. Last evaluated: 2023-07-03. Review status: criteria provided, single submitter. Criteria: Invitae Variant Classification Sherloc (09022015). Collection method: clinical testing. Allele origin: germline.
Comment: This sequence change replaces leucine, which is neutral and non-polar, with isoleucine, which is neutral and non-polar, at codon 1208 of the BRCA2 protein (p.Leu1208Ile). This variant is not present in population databases (gnomAD no frequency). In summary, the available evidence is currently insufficient to determine the role of this variant in disease. Therefore, it has been classified as a Variant of Uncertain Significance. Advanced modeling of protein sequence and biophysical properties (such as structural, functional, and spatial information, amino acid conservation, physicochemical variation, residue mobility, and thermodynamic stability) performed at Invitae indicates that this missense variant is not expected to disrupt BRCA2 protein function. ClinVar contains an entry for this variant (Variation ID: 51494). This variant has not been reported in the literature in individuals affected with BRCA2-related conditions.

University of Washington Department of Laboratory Medicine, University of Washington
Classification: Likely benign for Hereditary cancer-predisposing syndrome. Last evaluated: 2023-03-23. Review status: criteria provided, single submitter. Criteria: Dines et al. (Genet Med. 2020). Collection method: curation. Allele origin: germline.
Comment: Missense variant in a coldspot region where missense variants are very unlikely to be pathogenic (PMID:31911673).

BRCA2 exon 11 coldspot. Reclassification based on statistical prior probability.

Breast Cancer Information Core (BIC) (BRCA2)
Classification: Uncertain significance for Breast-ovarian cancer, familial 2. Last evaluated: 2004-02-20. Review status: no assertion criteria provided. Collection method: clinical testing. Allele origin: germline. Affected: yes. Observed: 1 variant allele. Not counted in ClinVar's aggregate classification.